The following is an entry in ClinVar:

NM_012263.5(TTLL1):c.1242G>A (p.Ser414=)

Genes: TTLL1 (TTL family tubulin polyglutamylase complex subunit L1; minus strand), TTLL1-AS1 (TTLL1 antisense RNA 1; plus strand). Cytogenetic location: 22q13.2.
Variant type: single nucleotide variant.
Coding change: c.1242G>A on transcript NM_012263.5 (MANE Select); coding-DNA position 1242, G replaced by A.
Protein change: p.Ser414=; no amino-acid change (serine 414 retained).
Molecular consequence: synonymous variant. On other transcripts: non-coding transcript variant (2).
Genome position (GRCh38, 1-based): chr22:43,039,806, C>T on the plus strand (G>A on the coding strand, the complement: TTLL1 is on the minus strand). VCF-style: chr22-43039806-C-T. GRCh37 (hg19) VCF-style: chr22-43435812-C-T.
Identifiers: ClinVar variation 403576 (VCV000403576.5), dbSNP rs1052163, ClinGen allele CA10271637.

ClinVar aggregate classification (germline): Benign. Review status: criteria provided, multiple submitters, no conflicts (2 of 4 stars). 2 submissions from 2 submitters: Benign (2). Last evaluated 2016-03-29.

Allele frequency attached by ClinVar (database versions not stated): gnomAD exomes 0.21516 and 0.30045; ESP Exome Variant Server 0.27810; ExAC 0.29768; gnomAD 0.29903 and 0.30712; TOPMed 0.33534; 1000 Genomes Project 30x 0.47954; 1000 Genomes Project 0.48562.
gnomAD v4.1: 363,390 of 1,613,284 alleles (23%); highest among the groups gnomAD compares: East Asian, 81%; 56,434 homozygotes.

Submissions (2):

Laboratory for Molecular Medicine, Mass General Brigham Personalized Medicine
Classification: Benign. Last evaluated: 2016-03-29. Review status: criteria provided, single submitter. Criteria: LMM Criteria. Collection method: clinical testing. Allele origin: germline.
Comment: Variant identified in a genome or exome case(s) and assessed due to predicted null impact of the variant or pathogenic assertions in the literature or databases. Disclaimer: This variant has not undergone full assessment. The following are preliminary notes: Frequency

Breakthrough Genomics
Classification: Benign. Review status: criteria provided, single submitter. Criteria: ACMG Guidelines, 2015. Collection method: not provided. Allele origin: germline. Inheritance: Unknown mechanism. Affected: yes.